The following is an entry in ClinVar:

ClinVar aggregate classification (germline): Uncertain significance. Review status: criteria provided, multiple submitters, no conflicts (2 of 4 stars). 2 submissions from 2 submitters: Uncertain significance (2). Last evaluated 2024-06-09.

Conditions:
Arrhythmogenic right ventricular dysplasia 5. Also called: ARRHYTHMOGENIC RIGHT VENTRICULAR DYSPLASIA, FAMILIAL, 5; Arrhythmogenic Right Ventricular Dysplasia/Cardiomyopathy 5. Identifiers: MedGen C1858379, MONDO:0011459, OMIM 604400.
Cardiovascular phenotype. Identifiers: MedGen CN230736.

gnomAD v4.1: 9 of 1,612,528 alleles (0.00056%); highest among the groups gnomAD compares: Non-Finnish European, 0.00068%; no homozygotes.

Submissions (2):

All of Us Research Program, National Institutes of Health
Classification: Uncertain significance for Arrhythmogenic right ventricular dysplasia 5. Last evaluated: 2024-06-09. Review status: criteria provided, single submitter. Criteria: ACMG Guidelines, 2015. Collection method: clinical testing. Allele origin: germline. Inheritance: Autosomal dominant inheritance. Observed: 1 variant allele, 1 heterozygote.
Comment: This missense variant replaces isoleucine with methionine at codon 91 of the TMEM43 protein. Computational prediction suggests that this variant may not impact protein structure and function (internally defined REVEL score threshold <= 0.5, PMID: 27666373). To our knowledge, functional studies have not been reported for this variant. This variant has not been reported in individuals affected with TMEM43-related disorders in the literature. This variant has been identified in 1/249936 chromosomes in the general population by the Genome Aggregation Database (gnomAD). The available evidence is insufficient to determine the role of this variant in disease conclusively. Therefore, this variant is classified as a Variant of Uncertain Significance.

This study involves interpretation of variants in research participants for the purpose of population health screening. Participant phenotype was not available at the time of variant classification. Additional details can be found in publication PMID: 35346344, PMCID: PMC8962531

Ambry Genetics
Classification: Uncertain significance for Cardiovascular phenotype. Last evaluated: 2024-04-09. Review status: criteria provided, single submitter. Criteria: Ambry Variant Classification Scheme 2023. Collection method: clinical testing. Allele origin: germline.
Comment: The p.I91M variant (also known as c.273C>G), located in coding exon 3 of the TMEM43 gene, results from a C to G substitution at nucleotide position 273. The isoleucine at codon 91 is replaced by methionine, an amino acid with highly similar properties. This amino acid position is conserved. In addition, this alteration is predicted to be tolerated by in silico analysis. Based on the available evidence, the clinical significance of this variant remains unclear.

NM_024334.3(TMEM43):c.273C>G (p.Ile91Met)

Gene: TMEM43 (transmembrane protein 43; plus strand). Cytogenetic location: 3p25.1.
Variant type: single nucleotide variant.
Coding change: c.273C>G on transcript NM_024334.3 (MANE Select); coding-DNA position 273, C replaced by G.
Protein change: p.Ile91Met; replaces isoleucine 91 with methionine.
Molecular consequence: missense variant.
Genome position (GRCh38, 1-based): chr3:14,130,932, C>G. VCF-style: chr3-14130932-C-G. GRCh37 (hg19) VCF-style: chr3-14172432-C-G.
Other names: c.273C>G, p.Ile91Met (NM_001407274.1, NM_001407275.1, NM_001407276.1 and 2 more transcripts); c.258C>G, p.Ile86Met (NM_001407278.1); c.123C>G, p.Ile41Met (NM_001407280.1); short protein forms I86M, I41M, I91M.
Identifiers: ClinVar variation 3327105 (VCV003327105.2).